The following is an entry in ClinVar:

NM_000064.4(C3):c.3499G>C (p.Gly1167Arg)

Gene: C3 (complement C3; minus strand). Cytogenetic location: 19p13.3.
Variant type: single nucleotide variant.
Coding change: c.3499G>C on transcript NM_000064.4 (MANE Select); coding-DNA position 3499, G replaced by C.
Protein change: p.Gly1167Arg; replaces glycine 1167 with arginine.
Molecular consequence: missense variant.
Genome position (GRCh38, 1-based): chr19:6,686,893, C>G on the plus strand (G>C on the coding strand, the complement: C3 is on the minus strand). VCF-style: chr19-6686893-C-G. GRCh37 (hg19) VCF-style: chr19-6686904-C-G.
Other names: short protein forms G1167R.
Identifiers: ClinVar variation 1718225 (VCV001718225.5), dbSNP rs1918022951, ClinGen allele CA403621772.

ClinVar aggregate classification (germline): Uncertain significance (1 of 4 stars; one submission).

Submission:

Labcorp Genetics (formerly Invitae), Labcorp
Classification: Uncertain significance. Last evaluated: 2022-08-28. Review status: criteria provided, single submitter. Criteria: Invitae Variant Classification Sherloc (09022015). Collection method: clinical testing. Allele origin: germline.
Comment: In summary, the available evidence is currently insufficient to determine the role of this variant in disease. Therefore, it has been classified as a Variant of Uncertain Significance. Algorithms developed to predict the effect of missense changes on protein structure and function output the following: SIFT: "Tolerated"; PolyPhen-2: "Benign"; Align-GVGD: "Class C0". The arginine amino acid residue is found in multiple mammalian species, which suggests that this missense change does not adversely affect protein function. This variant has not been reported in the literature in individuals affected with C3-related conditions. This variant is not present in population databases (gnomAD no frequency). This sequence change replaces glycine, which is neutral and non-polar, with arginine, which is basic and polar, at codon 1167 of the C3 protein (p.Gly1167Arg).